The following is an entry in ClinVar:

NM_002691.4(POLD1):c.2467_2468insTT (p.Arg823fs)

Gene: POLD1 (DNA polymerase delta 1, catalytic subunit; plus strand). Cytogenetic location: 19q13.33.
Variant type: Insertion.
Coding change: c.2467_2468insTT on transcript NM_002691.4 (MANE Select); coding-DNA positions 2467 to 2468, TT inserted.
Protein change: p.Arg823fs; shifts the reading frame from arginine 823.
Molecular consequence: frameshift variant. On other transcripts: non-coding transcript variant (1).
Genome position: GRCh38 VCF-style: chr19-50414893-C-CTT. GRCh37 (hg19) VCF-style: chr19-50918150-C-CTT.
Other names: c.2467_2468insTT, p.Arg823fs (NM_001256849.1); c.2545_2546insTT, p.Arg849fs (NM_001308632.1); short protein forms R823fs, R849fs.
Identifiers: ClinVar variation 2708704 (VCV002708704.3), dbSNP rs2514048116, ClinGen allele CA2697556663.

ClinVar aggregate classification (germline): Uncertain significance (1 of 4 stars; one submission).

Conditions:
POLD1-related polyposis and colorectal cancer syndrome (CRCS10). Also called: Colorectal cancer 10; Colorectal cancer, susceptibility to, 10; COLORECTAL CANCER, SUSCEPTIBILITY TO, ON CHROMOSOME 19q. Identifiers: Orphanet 220460, MedGen C2675481, MONDO:0012953, OMIM 612591.

Submission:

Labcorp Genetics (formerly Invitae), Labcorp
Classification: Uncertain significance for POLD1-related polyposis and colorectal cancer syndrome. Last evaluated: 2024-07-30. Review status: criteria provided, single submitter. Criteria: Invitae Variant Classification Sherloc (09022015). Collection method: clinical testing. Allele origin: germline.
Comment: This sequence change creates a premature translational stop signal (p.Arg823Leufs*66) in the POLD1 gene. Missense variants that disrupt the 3'-5' exonuclease (proof-reading) activity of the POLD1 protein are associated with PPAP (polymerase proofreading–associated polyposis) (PMID: 23263490, 23447401). However, loss-of-function variants that result in an absent or severely disrupted POLD1 protein, and missense variants outside the exonuclease domain, are unlikely to be associated with PPAP. This variant is not present in population databases (gnomAD no frequency). This variant has not been reported in the literature in individuals affected with POLD1-related conditions. In summary, the available evidence is currently insufficient to determine the role of this variant in disease. Therefore, it has been classified as a Variant of Uncertain Significance.

Literature cited by the submitters: PubMed 23263490; PubMed 23447401.